The following is an entry in ClinVar:

ClinVar aggregate classification (germline): Pathogenic. Review status: criteria provided, single submitter (1 of 4 stars). 2 submissions from 2 submitters: Pathogenic (1). 1 of the submissions does not count toward it. Last evaluated 2024-11-12.

Conditions:
Intellectual developmental disorder, autosomal dominant 53. Also called: MENTAL RETARDATION, AUTOSOMAL DOMINANT 53; Intellectual disability, autosomal dominant 53. Identifiers: MedGen C4540481, MONDO:0030919, OMIM 617798.
Intellectual developmental disorder, autosomal recessive 63. Also called: MENTAL RETARDATION, AUTOSOMAL RECESSIVE 63; Intellectual disability, autosomal recessive 63. Identifiers: MedGen C4748167, MONDO:0054861, OMIM 618095.

Submissions (2):

GeneDx
Classification: Pathogenic. Last evaluated: 2024-11-12. Review status: criteria provided, single submitter. Criteria: GeneDx Variant Classification Process June 2021. Collection method: clinical testing. Allele origin: germline. Affected: yes.
Comment: Not observed at significant frequency in large population cohorts (gnomAD); Has not been previously published as pathogenic or benign to our knowledge; Nonsense variant predicted to result in protein truncation or nonsense mediated decay in a gene for which loss of function is a known mechanism of disease

Service de Génétique Moléculaire, Hôpital Robert Debré
Classification: Likely pathogenic for Intellectual developmental disorder, autosomal recessive 63; Intellectual developmental disorder, autosomal dominant 53. Last evaluated: 2020-04-27. Review status: no assertion criteria provided. Collection method: clinical testing. Allele origin: de novo. Affected: yes. Not counted in ClinVar's aggregate classification.

NM_015981.4(CAMK2A):c.220C>T (p.Arg74Ter)

Gene: CAMK2A (calcium/calmodulin dependent protein kinase II alpha; minus strand). Cytogenetic location: 5q32.
Variant type: single nucleotide variant.
Coding change: c.220C>T on transcript NM_015981.4 (MANE Select); coding-DNA position 220, C replaced by T.
Protein change: p.Arg74Ter; replaces arginine 74 with a stop codon.
Molecular consequence: nonsense.
Genome position (GRCh38, 1-based): chr5:150,257,615, G>A on the plus strand (C>T on the coding strand, the complement: CAMK2A is on the minus strand). VCF-style: chr5-150257615-G-A. GRCh37 (hg19) VCF-style: chr5-149637178-G-A.
Other names: c.220C>T, p.Arg74Ter (NM_001363989.1, NM_001363990.1, NM_001369025.2 and 1 more transcripts); short protein forms R74*.
Identifiers: ClinVar variation 988756 (VCV000988756.7), dbSNP rs61732056, ClinGen allele CA129102100.
Genomic context (GRCh38, chr5:150,257,615, plus strand): 5'-AAACTCACAGGTCGAAGATCAGGTAGTGGTGTCCCTCCTCTGAGATGCTGTCATGTAGTC[G>A]GACTGTGGGCGGGGCAAGGCAGTTGGTTACAGTGGGACACACTGCTGCACAGGCCCGCCC-3'